The following is an entry in ClinVar:

NM_001371928.1(AHDC1):c.3063C>T (p.Ala1021=)

Gene: AHDC1 (AT-hook DNA binding motif containing 1; minus strand). Cytogenetic location: 1p36.11.
Variant type: single nucleotide variant.
Coding change: c.3063C>T on transcript NM_001371928.1 (MANE Select); coding-DNA position 3063, C replaced by T.
Protein change: p.Ala1021=; no amino-acid change (alanine 1021 retained).
Molecular consequence: synonymous variant.
Genome position (GRCh38, 1-based): chr1:27,549,053, G>A on the plus strand (C>T on the coding strand, the complement: AHDC1 is on the minus strand). VCF-style: chr1-27549053-G-A. GRCh37 (hg19) VCF-style: chr1-27875564-G-A.
Other names: c.3063C>T, p.Ala1021= (NM_001029882.3).
Identifiers: ClinVar variation 1274634 (VCV001274634.29), dbSNP rs574226832, ClinGen allele CA715633.

ClinVar aggregate classification (germline): Benign. Review status: criteria provided, multiple submitters, no conflicts (2 of 4 stars). 3 submissions from 3 submitters: Benign (3). Last evaluated 2024-07-23.

Allele frequency attached by ClinVar (database versions not stated): TOPMed 0.00001; gnomAD exomes 0.00008 and 0.00021; 1000 Genomes Project 30x 0.00016; 1000 Genomes Project 0.00020; ExAC 0.00023.
gnomAD v4.1: 125 of 1,573,736 alleles (0.0079%); highest among the groups gnomAD compares: South Asian, 0.11%; 2 homozygotes.

Submissions (3):

Labcorp Genetics (formerly Invitae), Labcorp
Classification: Benign. Last evaluated: 2024-07-23. Review status: criteria provided, single submitter. Criteria: Invitae Variant Classification Sherloc (09022015). Collection method: clinical testing. Allele origin: germline.

CeGaT Center for Human Genetics Tuebingen
Classification: Benign. Last evaluated: 2022-03-01. Review status: criteria provided, single submitter. Criteria: CeGaT Center For Human Genetics Tuebingen Variant Classification Criteria Version 2. Collection method: clinical testing. Allele origin: germline. Affected: yes. Observed: 1 variant allele.
Comment: AHDC1: BS1, BS2

GeneDx
Classification: Benign. Last evaluated: 2020-12-03. Review status: criteria provided, single submitter. Criteria: GeneDx Variant Classification Process June 2021. Collection method: clinical testing. Allele origin: germline. Affected: yes.